The following is an entry in ClinVar:

ClinVar aggregate classification (germline): Likely benign (1 of 4 stars; one submission).

Allele frequency attached by ClinVar (database versions not stated): 1000 Genomes Project 0.00260; 1000 Genomes Project 30x 0.00265; TOPMed 0.00420; ESP Exome Variant Server 0.00500; gnomAD exomes 0.00691; gnomAD 0.00721; ExAC 0.00783.
gnomAD v4.1: 11,115 of 1,613,946 alleles (0.69%); highest among the groups gnomAD compares: Non-Finnish European, 0.69%; 87 homozygotes.

Submission:

CeGaT Center for Human Genetics Tuebingen
Classification: Likely benign. Last evaluated: 2022-10-01. Review status: criteria provided, single submitter. Criteria: CeGaT Center For Human Genetics Tuebingen Variant Classification Criteria Version 2. Collection method: clinical testing. Allele origin: germline. Affected: yes. Observed: 1 variant allele.
Comment: PRRC2C: BP4, BP7

NM_001387844.1(PRRC2C):c.2670T>C (p.Asp890=)

Gene: PRRC2C (proline rich coiled-coil 2C; plus strand). Cytogenetic location: 1q24.3.
Variant type: single nucleotide variant.
Coding change: c.2670T>C on transcript NM_001387844.1 (MANE Select); coding-DNA position 2670, T replaced by C.
Protein change: p.Asp890=; no amino-acid change (aspartic acid 890 retained).
Molecular consequence: synonymous variant.
Genome position (GRCh38, 1-based): chr1:171,540,136, T>C. VCF-style: chr1-171540136-T-C. GRCh37 (hg19) VCF-style: chr1-171509275-T-C.
Other names: c.2664T>C, p.Asp888= (NM_015172.4).
Identifiers: ClinVar variation 2639554 (VCV002639554.24), dbSNP rs75723046, ClinGen allele CA1242889.